The following is an entry in ClinVar:

Conditions:
Breast-ovarian cancer, familial, susceptibility to, 1 (BROVCA1). Also called: BRCA1 Hereditary Breast and Ovarian Cancer; OVARIAN CANCER, SUSCEPTIBILITY TO. Identifiers: Orphanet 145, MedGen C2676676, MONDO:0011450, OMIM 604370. Disease mechanism: loss of function.

Submission:

Brotman Baty Institute, University of Washington
No classification provided (evidence only). Condition: Breast-ovarian cancer, familial 1. Review status: no classification provided. Collection method: in vitro. Allele origin: not applicable. Functional consequence: functionally_abnormal.
ClinVar note: "not provided" was previously submitted as the classification for the variant. However, the classification appeared to be based only on an observation of functional data so it was converted to no classification on 2025-07-30.

NM_007294.4(BRCA1):c.4957G>C (p.Val1653Leu)

Gene: BRCA1 (BRCA1 DNA repair associated; minus strand). Cytogenetic location: 17q21.31.
Variant type: single nucleotide variant.
Coding change: c.4957G>C on transcript NM_007294.4 (MANE Select); coding-DNA position 4957, G replaced by C.
Protein change: p.Val1653Leu; replaces valine 1653 with leucine.
Molecular consequence: missense variant. On other transcripts: non-coding transcript variant (1).
Genome position (GRCh38, 1-based): chr17:43,070,957, C>G on the plus strand (G>C on the coding strand, the complement: BRCA1 is on the minus strand). VCF-style: chr17-43070957-C-G. GRCh37 (hg19) VCF-style: chr17-41222974-C-G.
Other names: c.1522G>C, p.Val508Leu (NM_001408442.1, NM_001408443.1, NM_001408444.1 and 10 more transcripts); c.1519G>C, p.Val507Leu (NM_001408445.1, NM_001408446.1, NM_001408447.1 and 2 more transcripts); c.1504G>C, p.Val502Leu (NM_001408461.1, NM_001408462.1, NM_001408463.1 and 7 more transcripts); c.1501G>C, p.Val501Leu (NM_001408468.1, NM_001408469.1, NM_001408470.1); c.1435G>C, p.Val479Leu (NM_001408482.1, NM_001408483.1, NM_001408484.1 and 5 more transcripts); c.1432G>C, p.Val478Leu (NM_001408492.1, NM_001408493.1); c.1381G>C, p.Val461Leu (NM_001408504.1, NM_001408502.1, NM_001408503.1); c.1378G>C, p.Val460Leu (NM_001408505.1); and 70 more; short protein forms V1653L, V1674L, V1606L, V549L, V1356L, V1484L, V1499L, V1563L.
Identifiers: ClinVar variation 868873 (VCV000868873.3), dbSNP rs80357261, ClinGen allele CA10591610.